The following is an entry in ClinVar:

ClinVar aggregate classification (germline): Uncertain significance (1 of 4 stars; one submission).

Conditions:
Inborn genetic diseases. Identifiers: MedGen C0950123, MeSH D030342.

Submission:

Ambry Genetics
Classification: Uncertain significance for Inborn genetic diseases. Last evaluated: 2025-12-29. Review status: criteria provided, single submitter. Criteria: Ambry Variant Classification Scheme 2023. Collection method: clinical testing. Allele origin: germline.
Comment: The c.1222_1223delACinsCA variant (also known as p.T408Q, located in coding exon 4 of the MBD4 gene, results from an in-frame deletion of AC and insertion of CA at nucleotide positions 1222 to 1223. This results in the substitution of the threonine residue for a glutamine residue at codon 408, an amino acid with highly similar properties. This amino acid position is highly conserved in available vertebrate species. In addition, the in silico prediction for this variant is inconclusive (Choi Y et al. PLoS ONE. 2012; 7(10):e46688). Based on the available evidence, the clinical significance of this variant remains unclear.

NM_001276270.2(MBD4):c.1222_1223delinsCA (p.Thr408Gln)

Gene: MBD4 (methyl-CpG binding domain 4, DNA glycosylase; minus strand). Cytogenetic location: 3q21.3.
Variant type: Indel.
Coding change: c.1222_1223delinsCA on transcript NM_001276270.2 (MANE Select); coding-DNA positions 1222 to 1223, AC replaced by CA.
Protein change: p.Thr408Gln; replaces threonine 408 with glutamine.
Molecular consequence: missense variant.
Genome position (GRCh38, 1-based): chr3:129,434,097-129,434,098, GT replaced by TG on the plus strand (AC replaced by CA on the coding strand, the reverse complement: MBD4 is on the minus strand). VCF-style: chr3-129434097-GT-TG. GRCh37 (hg19) VCF-style: chr3-129152940-GT-TG.
Other names: c.1240_1241delinsCA, p.Thr414Gln (NM_001276271.2, NM_001276272.2, NM_003925.3); c.286_287delinsCA, p.Thr96Gln (NM_001276273.2); c.1222_1223delACinsCA (NM_001276270.2); short protein forms T414Q, T96Q, T408Q.
Identifiers: ClinVar variation 4844094 (VCV004844094.1).
Genomic context (GRCh38, chr3:129,434,097, plus strand): 5'-GCTGTTCTGATTGGGAAAGGGATACCTTCTTTGTTATATTTGCTGGAAAAATACAGGCTT[GT>TG]TTTCCTTCTTTCTATCTGTGTTCGTGGGATGGTATCTTCTGAAAAGGAAAAGTAAACACT-3'
Protein context (NP_001263199.1, residues 398-418): IPRTQIERRK[Thr408Gln]SLYFSSKYNK